The following is an entry in ClinVar:

NM_017617.5(NOTCH1):c.6714C>T (p.Pro2238=)

Gene: NOTCH1 (notch receptor 1; minus strand). Cytogenetic location: 9q34.3.
Variant type: single nucleotide variant.
Coding change: c.6714C>T on transcript NM_017617.5 (MANE Select); coding-DNA position 6714, C replaced by T.
Protein change: p.Pro2238=; no amino-acid change (proline 2238 retained).
Molecular consequence: synonymous variant.
Genome position (GRCh38, 1-based): chr9:136,497,025, G>A on the plus strand (C>T on the coding strand, the complement: NOTCH1 is on the minus strand). VCF-style: chr9-136497025-G-A. GRCh37 (hg19) VCF-style: chr9-139391477-G-A.
Other names: c.6714C>T, p.Pro2238= (LRG_1122t1).
Identifiers: ClinVar variation 477964 (VCV000477964.32), dbSNP rs201499253, ClinGen allele CA5339839.

ClinVar aggregate classification (germline): Benign/Likely benign. Review status: criteria provided, multiple submitters, no conflicts (2 of 4 stars). 7 submissions from 6 submitters: Benign (3); Likely benign (4). Last evaluated 2026-01-26.

Conditions:
Adams-Oliver syndrome 5 (AOS5). Identifiers: Orphanet 974, MedGen C4014970, MONDO:0014459, OMIM 616028.
Familial thoracic aortic aneurysm and aortic dissection (TAAD). Also called: Thoracic aortic aneurysms and dissections. Identifiers: Orphanet 91387, MedGen C4707243, MONDO:0019625.
Aortic valve disease 1 (AOVD1). Identifiers: MedGen C3887892, MONDO:0024523, OMIM 109730.

Allele frequency attached by ClinVar (database versions not stated): gnomAD 0.00008 and 0.00009; 1000 Genomes Project 30x 0.00016; TOPMed 0.00019; 1000 Genomes Project 0.00020; gnomAD exomes 0.00020; ExAC 0.00021.
gnomAD v4.1: 105 of 1,609,436 alleles (0.0065%); highest among the groups gnomAD compares: East Asian, 0.14%; 1 homozygote.

Submissions (7):

Labcorp Genetics (formerly Invitae), Labcorp
Classification: Benign for Adams-Oliver syndrome 5. Last evaluated: 2026-01-26. Review status: criteria provided, single submitter. Criteria: Invitae Variant Classification Sherloc (09022015). Collection method: clinical testing. Allele origin: germline.

CeGaT Center for Human Genetics Tuebingen
Classification: Likely benign. Last evaluated: 2025-01-01. Review status: criteria provided, single submitter. Criteria: CeGaT Center For Human Genetics Tuebingen Variant Classification Criteria Version 2. Collection method: clinical testing. Allele origin: germline. Affected: yes. Observed: 1 variant allele.
Comment: NOTCH1: BP4, BP7

Blueprint Genetics
Classification: Likely benign. Last evaluated: 2024-09-12. Review status: criteria provided, single submitter. Criteria: ACMG Guidelines, 2015. Collection method: clinical testing. Allele origin: germline.

Genome-Nilou Lab
Classification: Benign for Adams-Oliver syndrome 5. Last evaluated: 2022-03-15. Review status: criteria provided, single submitter. Criteria: ACMG Guidelines, 2015. Collection method: clinical testing. Allele origin: germline. Affected: no.

Genome-Nilou Lab
Classification: Benign for Aortic valve disease 1. Last evaluated: 2022-03-15. Review status: criteria provided, single submitter. Criteria: ACMG Guidelines, 2015. Collection method: clinical testing. Allele origin: germline. Affected: no.

Ambry Genetics
Classification: Likely benign for Familial thoracic aortic aneurysm and aortic dissection. Last evaluated: 2022-03-09. Review status: criteria provided, single submitter. Criteria: Ambry Variant Classification Scheme 2023. Collection method: clinical testing. Allele origin: germline.

GeneDx
Classification: Likely benign. Last evaluated: 2021-03-09. Review status: criteria provided, single submitter. Criteria: GeneDx Variant Classification Process June 2021. Collection method: clinical testing. Allele origin: germline. Affected: yes.